The following is an entry in ClinVar:

ClinVar aggregate classification (germline): Uncertain significance. Review status: criteria provided, single submitter (1 of 4 stars). 2 submissions from 2 submitters: Uncertain significance (1). 1 of the submissions does not count toward it. Last evaluated 2022-07-12.

Conditions:
HECTD4-related disorder. Also called: HECTD4-related condition.

Allele frequency attached by ClinVar (database versions not stated): gnomAD 0.00031; TOPMed 0.00039; ExAC 0.00042; gnomAD exomes 0.00060; ESP Exome Variant Server 0.00070.
gnomAD v4.1: 926 of 1,613,778 alleles (0.057%); highest among the groups gnomAD compares: Non-Finnish European, 0.065%; 1 homozygote.

Submissions (2):

Ambry Genetics
Classification: Uncertain significance. Last evaluated: 2022-07-12. Review status: criteria provided, single submitter. Criteria: Ambry Variant Classification Scheme 2023. Collection method: clinical testing. Allele origin: germline.

PreventionGenetics, part of Exact Sciences
Classification: Likely benign for HECTD4-related condition. Last evaluated: 2022-04-05. Review status: no assertion criteria provided. Collection method: clinical testing. Allele origin: germline. Not counted in ClinVar's aggregate classification.
Comment: This variant is classified as likely benign based on ACMG/AMP sequence variant interpretation guidelines (Richards et al. 2015 PMID: 25741868, with internal and published modifications).

NM_001388303.1(HECTD4):c.11773G>A (p.Ala3925Thr)

Gene: HECTD4 (HECT domain E3 ubiquitin protein ligase 4; minus strand). Cytogenetic location: 12q24.13.
Variant type: single nucleotide variant.
Coding change: c.11773G>A on transcript NM_001388303.1 (MANE Select); coding-DNA position 11773, G replaced by A.
Protein change: p.Ala3925Thr; replaces alanine 3925 with threonine.
Molecular consequence: missense variant.
Genome position (GRCh38, 1-based): chr12:112,172,683, C>T on the plus strand (G>A on the coding strand, the complement: HECTD4 is on the minus strand). VCF-style: chr12-112172683-C-T. GRCh37 (hg19) VCF-style: chr12-112610487-C-T.
Other names: c.11803G>A, p.Ala3935Thr (NM_001109662.4); c.11371G>A (NM_001109662.3); short protein forms A3935T, A3925T.
Identifiers: ClinVar variation 2352682 (VCV002352682.4), dbSNP rs61999311, ClinGen allele CA6795891.